The following is an entry in ClinVar:

NM_001184.4(ATR):c.7732A>T (p.Asn2578Tyr)

Gene: ATR (ATR checkpoint kinase; minus strand). Cytogenetic location: 3q23.
Variant type: single nucleotide variant.
Coding change: c.7732A>T on transcript NM_001184.4 (MANE Select); coding-DNA position 7732, A replaced by T.
Protein change: p.Asn2578Tyr; replaces asparagine 2578 with tyrosine.
Molecular consequence: missense variant.
Genome position (GRCh38, 1-based): chr3:142,453,157, T>A on the plus strand (A>T on the coding strand, the complement: ATR is on the minus strand). VCF-style: chr3-142453157-T-A. GRCh37 (hg19) VCF-style: chr3-142171999-T-A.
Other names: c.7540A>T, p.Asn2514Tyr (NM_001354579.2); short protein forms N2514Y, N2578Y.
Identifiers: ClinVar variation 1044549 (VCV001044549.11), dbSNP rs1309520394, ClinGen allele CA354794076.
Genomic context (GRCh38, chr3:142,453,157, plus strand): 5'-CAGCCCATATCAAGCTATACCTTCTACTAACCTTTTCATTGACAACTTCTCCAGTTTCAT[T>A]CAGTGGCGCTTTGGAATGCCCTTTCACTGGTTTACTCCATTCCACAAGAGGATCATGTAG-3'
Protein context (NP_001175.2, residues 2568-2588): PVKGHSKAPL[Asn2578Tyr]ETGEVVNEKA

ClinVar aggregate classification (germline): Uncertain significance. Review status: criteria provided, multiple submitters, no conflicts (2 of 4 stars). 4 submissions from 3 submitters: Uncertain significance (4). Last evaluated 2024-10-07.

Conditions:
Inborn genetic diseases. Identifiers: MedGen C0950123, MeSH D030342.
Seckel syndrome 1 (SCKL1). Also called: MICROCEPHALIC PRIMORDIAL DWARFISM I. Identifiers: Orphanet 808, MedGen C4551474, MONDO:0008869, OMIM 210600.
Familial cutaneous telangiectasia and oropharyngeal predisposition cancer syndrome. Identifiers: Orphanet 313846, MedGen C3281203, MONDO:0013806, OMIM 614564.

Allele frequency attached by ClinVar (database versions not stated): gnomAD exomes below 0.00001.
gnomAD v4.1: 1 of 1,614,140 alleles (0.000062%); highest among the groups gnomAD compares: Non-Finnish European, 0.000085%; no homozygotes.

Submissions (4):

Labcorp Genetics (formerly Invitae), Labcorp
Classification: Uncertain significance. Last evaluated: 2024-10-07. Review status: criteria provided, single submitter. Criteria: Invitae Variant Classification Sherloc (09022015). Collection method: clinical testing. Allele origin: germline.
Comment: This sequence change replaces asparagine, which is neutral and polar, with tyrosine, which is neutral and polar, at codon 2578 of the ATR protein (p.Asn2578Tyr). This variant is present in population databases (no rsID available, gnomAD 0.0009%). This variant has not been reported in the literature in individuals affected with ATR-related conditions. ClinVar contains an entry for this variant (Variation ID: 1044549). An algorithm developed to predict the effect of missense changes on protein structure and function (PolyPhen-2) suggests that this variant is likely to be tolerated. In summary, the available evidence is currently insufficient to determine the role of this variant in disease. Therefore, it has been classified as a Variant of Uncertain Significance.

Genome-Nilou Lab
Classification: Uncertain significance for Seckel syndrome 1. Last evaluated: 2023-02-08. Review status: criteria provided, single submitter. Criteria: ACMG Guidelines, 2015. Collection method: clinical testing. Allele origin: germline.

Genome-Nilou Lab
Classification: Uncertain significance for Familial cutaneous telangiectasia and oropharyngeal predisposition cancer syndrome. Last evaluated: 2023-02-08. Review status: criteria provided, single submitter. Criteria: ACMG Guidelines, 2015. Collection method: clinical testing. Allele origin: germline.

Ambry Genetics
Classification: Uncertain significance for Inborn genetic diseases. Last evaluated: 2021-08-07. Review status: criteria provided, single submitter. Criteria: Ambry Variant Classification Scheme 2023. Collection method: clinical testing. Allele origin: germline.
Comment: The p.N2578Y variant (also known as c.7732A>T), located in coding exon 46 of the ATR gene, results from an A to T substitution at nucleotide position 7732. The asparagine at codon 2578 is replaced by tyrosine, an amino acid with dissimilar properties. This amino acid position is conserved. In addition, the in silico prediction for this alteration is inconclusive. Since supporting evidence is limited at this time, the clinical significance of this alteration remains unclear.